The following is an entry in ClinVar:

ClinVar aggregate classification (germline): Likely pathogenic (1 of 4 stars; one submission).

Conditions:
Nemaline myopathy 2 (NEM2). Also called: Nemaline myopathy 2, autosomal recessive. Identifiers: MedGen C1850569, MONDO:0009725, OMIM 256030.

Submission:

Myriad Genetics, Inc.
Classification: Likely pathogenic for Nemaline myopathy 2. Last evaluated: 2022-03-01. Review status: criteria provided, single submitter. Criteria: Myriad Women's Health Autosomal Recessive and X-Linked Classification Criteria (2021). Collection method: clinical testing. Allele origin: unknown.
Comment: NM_001271208.1(NEB):c.1415_1416ins11(Q473Hfs*7) is expected to be pathogenic in the context of NEB-related nemaline myopathy. This variant is predicted to lead to an abnormal or absent protein product due to the creation of a premature termination codon in NEB, a gene where loss-of-function variants are known to be pathogenic. Please note: this variant was assessed in the context of healthy population screening.

NM_001164508.2(NEB):c.1415_1416insACATTCAAAGT (p.Gln473fs)

Gene: NEB (nebulin; minus strand). Cytogenetic location: 2q23.3.
Variant type: Insertion.
Coding change: c.1415_1416insACATTCAAAGT on transcript NM_001164508.2 (MANE Select); coding-DNA positions 1415 to 1416, ACATTCAAAGT inserted.
Protein change: p.Gln473fs; shifts the reading frame from glutamine 473.
Molecular consequence: frameshift variant.
Genome position: GRCh38 VCF-style: chr2-151697202-A-AACTTTGAATGT. GRCh37 (hg19) VCF-style: chr2-152553716-A-AACTTTGAATGT.
Other names: c.1415_1416insACATTCAAAGT, p.Gln473fs (NM_001164507.2, NM_001271208.2, NM_004543.5); short protein forms Q473fs.
Identifiers: ClinVar variation 1724837 (VCV001724837.2), dbSNP rs2552269918, ClinGen allele CA2580064062.
Genomic context (GRCh38, chr2:151,697,202, plus strand): 5'-ACTTACGTCTTTACACTGATCTAGTTTCTTAATTGCTTCATATTCTTGAGTTATGGTCTG[A>AACTTTGAATGT]GGGAAGAAGCCTTTGCCTCTGTCTTCTTCGTATTCTGCTTTGTAGTTTTTCTATGAGGAG-3'